The following is an entry in ClinVar:

NM_001709.5(BDNF):c.196G>A (p.Val66Met)

Genes: BDNF-AS (BDNF antisense RNA; plus strand), BDNF (brain derived neurotrophic factor; minus strand). Cytogenetic location: 11p14.1.
Variant type: single nucleotide variant.
Coding change: c.196G>A on transcript NM_001709.5 (MANE Select); coding-DNA position 196, G replaced by A.
Protein change: p.Val66Met; replaces valine 66 with methionine.
Molecular consequence: missense variant. On other transcripts: non-coding transcript variant (5).
Genome position (GRCh38, 1-based): chr11:27,658,369, C>T on the plus strand (G>A on the coding strand, the complement: BDNF is on the minus strand). VCF-style: chr11-27658369-C-T. GRCh37 (hg19) VCF-style: chr11-27679916-C-T.
Other names: c.196G>A, p.Val66Met (NM_001143805.1, NM_001143806.1, NM_001143807.2 and 9 more transcripts); c.283G>A, p.Val95Met (NM_001143809.2); c.442G>A, p.Val148Met (NM_001143810.2); c.220G>A, p.Val74Met (NM_170731.5); c.241G>A, p.Val81Met (NM_170734.4); short protein forms V66M, V74M, V81M, V148M, V95M.
Identifiers: ClinVar variation 17697 (VCV000017697.19), dbSNP rs6265, ClinGen allele CA127325.
Genomic context (GRCh38, chr11:27,658,369, plus strand): 5'-CCTTATTGTTTTCTTCATTGGGCCGAACTTTCTGGTCCTCATCCAACAGCTCTTCTATCA[C>T]GTGTTCGAAAGTGTCAGCCAATGATGTCAAGCCTCTTGAACCTGCCTTGGGCCCATTCAC-3'
Protein context (NP_001700.2, residues 56-76): LTSLADTFEH[Val66Met]IEELLDEDQK

ClinVar aggregate classification (germline): Benign/Likely benign. Review status: criteria provided, multiple submitters, no conflicts (2 of 4 stars). 6 submissions from 6 submitters: Benign (4); Likely benign (1). 1 of the submissions does not count toward it. Last evaluated 2026-02-04.

Conditions:
Memory impairment, susceptibility to.

Allele frequency attached by ClinVar (database versions not stated): gnomAD 0.14533 and 0.15099; TOPMed 0.15105; gnomAD exomes 0.18982 and 0.19488; ExAC 0.19375; 1000 Genomes Project 30x 0.19550; 1000 Genomes Project 0.20128.

Submissions (6):

Labcorp Genetics (formerly Invitae), Labcorp
Classification: Benign. Last evaluated: 2026-02-04. Review status: criteria provided, single submitter. Criteria: Invitae Variant Classification Sherloc (09022015). Collection method: clinical testing. Allele origin: germline.

Blueprint Genetics
Classification: Likely benign. Last evaluated: 2024-11-27. Review status: criteria provided, single submitter. Criteria: ACMG Guidelines, 2015. Collection method: clinical testing. Allele origin: germline.

Laboratory for Molecular Medicine, Mass General Brigham Personalized Medicine
Classification: Benign. Last evaluated: 2013-06-18. Review status: criteria provided, single submitter. Criteria: LMM Criteria. Collection method: clinical testing. Allele origin: germline. Observed: 28 variant alleles.
Comment: Benign with respect to pulmonary disease based on high population frequency, Th is variant has been proposed to be associated with a rnage of psychiatric manife stations though the data is not solid and more recent meta-analyses argue agains t a risk effect.

Breakthrough Genomics
Classification: Benign. Review status: criteria provided, single submitter. Criteria: ACMG Guidelines, 2015. Collection method: not provided. Allele origin: germline. Inheritance: Unknown mechanism. Affected: yes.

PreventionGenetics, part of Exact Sciences
Classification: Benign. Review status: criteria provided, single submitter. Criteria: ACMG Guidelines, 2015. Collection method: clinical testing. Allele origin: germline.

OMIM
No classification provided. Condition: RECLASSIFIED - BDNF POLYMORPHISM. Last evaluated: 2025-04-03. Review status: no classification provided. Collection method: literature only. Allele origin: germline. Not counted in ClinVar's aggregate classification.

Literature cited by the submitters: Hamosh, A. Personal Communication. 2018. Baltimore, Md. (cited by OMIM); PubMed 12553913 (cited by OMIM); PubMed 12836135 (cited by OMIM); PubMed 12888803 (cited by OMIM); PubMed 15115760 (cited by OMIM); PubMed 15337662 (cited by OMIM); PubMed 12140781 (cited by OMIM); PubMed 12161822 (cited by OMIM); PubMed 16152572 (cited by OMIM); PubMed 16222333 (cited by OMIM); PubMed 16389585 (cited by OMIM); PubMed 16172806 (cited by OMIM); PubMed 16344533 (cited by OMIM); PubMed 20075215 (cited by OMIM).